The following is an entry in ClinVar:

ClinVar aggregate classification (germline): Pathogenic. Review status: criteria provided, multiple submitters, no conflicts (2 of 4 stars). 3 submissions from 2 submitters: Pathogenic (2). 1 of the submissions does not count toward it. Last evaluated 2022-05-05.

Conditions:
Developmental delay with variable intellectual impairment and behavioral abnormalities. Identifiers: MedGen C5193092, MONDO:0032745, OMIM 618430.
Neurodevelopmental abnormality. Identifiers: MedGen C4022737, HP:0012759.

Submissions (3):

Laboratorio de Genetica e Diagnostico Molecular, Hospital Israelita Albert Einstein
Classification: Pathogenic for Developmental delay with variable intellectual impairment and behavioral abnormalities. Last evaluated: 2022-05-05. Review status: criteria provided, single submitter. Criteria: ACMG Guidelines, 2015. Collection method: clinical testing. Allele origin: germline. Affected: yes. Observed: 1 variant allele.
Comment: ACMG classification criteria: PVS1 very strong, PS4 supporting, PM2 moderated

GeneDx
Classification: Pathogenic for Neurodevelopmental abnormality. Last evaluated: 2018-11-14. Review status: criteria provided, single submitter. Criteria: GeneDx Variant Classification (06012015). Collection method: clinical testing. Allele origin: unknown. Affected: yes.

GeneDx
Classification: Pathogenic. Last evaluated: 2018-11-14. Review status: flagged submission. Criteria: GeneDx Variant Classification (06012015). Collection method: clinical testing. Allele origin: germline. Affected: yes. Not counted in ClinVar's aggregate classification.
Comment: The c.4741_4742delAG variant in the TCF20 gene has been observed in internal GeneDx whole exome sequencing data in association with intellectual disability, global developmental delay, poor attention span, neurologic abnormalities, and structural brain abnormalities. The c.4741_4742delAG variant causes a frameshift starting with codon Arginine 1581, changes this amino acid to an Alanine residue, and creates a premature Stop codon at position 30 of the new reading frame, denoted p.Arg1581AlafsX30. This variant is predicted to cause loss of normal protein function either through protein truncation or nonsense-mediated mRNA decay. The c.4741_4742delAG variant is not observed in large population cohorts (Lek et al., 2016). Therefore, we interpret c.4741_4742delAG as a pathogenic variant.
ClinVar note: Reason: This record appears to be redundant with a more recent record from the same submitter.
ClinVar note: Notes: SCV001167936 appears to be redundant with SCV000854588.

NM_001378418.1(TCF20):c.4741_4742del (p.Arg1581fs)

Gene: TCF20 (transcription factor 20; minus strand). Cytogenetic location: 22q13.2.
Variant type: Microsatellite.
Coding change: c.4741_4742del on transcript NM_001378418.1 (MANE Select); coding-DNA positions 4741 to 4742, 2 bases deleted (AG; older notation c.4741_4742delAG).
Protein change: p.Arg1581fs; shifts the reading frame from arginine 1581.
Molecular consequence: frameshift variant.
Genome position (GRCh38, 1-based): chr22:42,210,564-42,210,565, CT deleted on the plus strand (AG on the coding strand, the reverse complement: TCF20 is on the minus strand); deleting any 2 consecutive bases within chr22:42,210,564-42,210,567 gives the same sequence; the c. name uses the placement nearest the transcript's 3' end. VCF-style (leftmost placement, unchanged base first): chr22-42210563-CCT-C. GRCh37 (hg19) VCF-style: chr22-42606569-CCT-C.
Other names: c.4741_4742del, p.Arg1581fs (NM_005650.4, NM_181492.3); short protein forms R1581fs.
Identifiers: ClinVar variation 599643 (VCV000599643.3), dbSNP rs1569144348, ClinGen allele CA913190467.